The following is an entry in ClinVar:

ClinVar aggregate classification (germline): Uncertain significance. Review status: criteria provided, multiple submitters, no conflicts (2 of 4 stars). 4 submissions from 4 submitters: Uncertain significance (4). Last evaluated 2023-11-03.

Conditions:
Inborn genetic diseases. Identifiers: MedGen C0950123, MeSH D030342.
Donnai-Barrow syndrome. Also called: DBS/FOAR SYNDROME; FACIOOCULOACOUSTICORENAL SYNDROME. Identifiers: Orphanet 2143, MedGen C1857277, MONDO:0009104, OMIM 222448.

Allele frequency attached by ClinVar (database versions not stated): TOPMed below 0.00001; gnomAD 0.00001 and 0.00002; gnomAD exomes 0.00002; ExAC 0.00004; 1000 Genomes Project 30x 0.00016; 1000 Genomes Project 0.00020.
gnomAD v4.1: 64 of 1,613,648 alleles (0.004%); highest among the groups gnomAD compares: Non-Finnish European, 0.0048%; no homozygotes.

Submissions (4):

Ambry Genetics
Classification: Uncertain significance for Inborn genetic diseases. Last evaluated: 2023-11-03. Review status: criteria provided, single submitter. Criteria: Ambry Variant Classification Scheme 2023. Collection method: clinical testing. Allele origin: germline.

Labcorp Genetics (formerly Invitae), Labcorp
Classification: Uncertain significance. Last evaluated: 2022-09-26. Review status: criteria provided, single submitter. Criteria: Invitae Variant Classification Sherloc (09022015). Collection method: clinical testing. Allele origin: germline.
Comment: This sequence change replaces glutamic acid, which is acidic and polar, with lysine, which is basic and polar, at codon 1919 of the LRP2 protein (p.Glu1919Lys). This variant is present in population databases (rs561702323, gnomAD 0.006%). This variant has not been reported in the literature in individuals affected with LRP2-related conditions. ClinVar contains an entry for this variant (Variation ID: 1510995). Advanced modeling of protein sequence and biophysical properties (such as structural, functional, and spatial information, amino acid conservation, physicochemical variation, residue mobility, and thermodynamic stability) performed at Invitae indicates that this missense variant is not expected to disrupt LRP2 protein function. In summary, the available evidence is currently insufficient to determine the role of this variant in disease. Therefore, it has been classified as a Variant of Uncertain Significance.

GeneDx
Classification: Uncertain significance. Last evaluated: 2022-06-08. Review status: criteria provided, single submitter. Criteria: GeneDx Variant Classification Process June 2021. Collection method: clinical testing. Allele origin: germline. Affected: yes.
Comment: In silico analysis supports that this missense variant does not alter protein structure/function; Has not been previously published as pathogenic or benign to our knowledge

Fulgent Genetics
Classification: Uncertain significance for Donnai-Barrow syndrome. Last evaluated: 2021-09-17. Review status: criteria provided, single submitter. Criteria: ACMG Guidelines, 2015. Collection method: clinical testing. Allele origin: unknown.

NM_004525.3(LRP2):c.5755G>A (p.Glu1919Lys)

Gene: LRP2 (LDL receptor related protein 2; minus strand). Cytogenetic location: 2q31.1.
Variant type: single nucleotide variant.
Coding change: c.5755G>A on transcript NM_004525.3 (MANE Select); coding-DNA position 5755, G replaced by A.
Protein change: p.Glu1919Lys; replaces glutamic acid 1919 with lysine.
Molecular consequence: missense variant.
Genome position (GRCh38, 1-based): chr2:169,216,324, C>T on the plus strand (G>A on the coding strand, the complement: LRP2 is on the minus strand). VCF-style: chr2-169216324-C-T. GRCh37 (hg19) VCF-style: chr2-170072834-C-T.
Other names: short protein forms E1919K.
Identifiers: ClinVar variation 1510995 (VCV001510995.7), dbSNP rs561702323, ClinGen allele CA1954449.